The following is an entry in ClinVar:

ClinVar aggregate classification (germline): Uncertain significance (1 of 4 stars; one submission).

Conditions:
Fabry disease. Also called: Fabry's disease; ALPHA-GALACTOSIDASE A DEFICIENCY; ANDERSON-FABRY DISEASE; CERAMIDE TRIHEXOSIDASE DEFICIENCY; GLA DEFICIENCY; Ceramide trihexosidosis. Identifiers: Orphanet 324, MedGen C0002986, MONDO:0010526, OMIM 301500, HP:0001071. Disease mechanism: Fabry disease is due to inactivating mutations in the X-linked GLA gene resulting in deficiency of the enzyme Alpha Galactosidase-A., loss of function.

Submission:

Labcorp Genetics (formerly Invitae), Labcorp
Classification: Uncertain significance for Fabry disease. Last evaluated: 2022-10-17. Review status: criteria provided, single submitter. Criteria: Invitae Variant Classification Sherloc (09022015). Collection method: clinical testing. Allele origin: germline.
Comment: In summary, the available evidence is currently insufficient to determine the role of this variant in disease. Therefore, it has been classified as a Variant of Uncertain Significance. Advanced modeling of protein sequence and biophysical properties (such as structural, functional, and spatial information, amino acid conservation, physicochemical variation, residue mobility, and thermodynamic stability) performed at Invitae indicates that this missense variant is not expected to disrupt GLA protein function. This variant has not been reported in the literature in individuals affected with GLA-related conditions. This variant is not present in population databases (gnomAD no frequency). This sequence change replaces histidine, which is basic and polar, with tyrosine, which is neutral and polar, at codon 9 of the GLA protein (p.His9Tyr).

NM_000169.3(GLA):c.25C>T (p.His9Tyr)

Genes: GLA (galactosidase alpha; minus strand), RPL36A-HNRNPH2 (RPL36A-HNRNPH2 readthrough; plus strand). Cytogenetic location: Xq22.1.
Variant type: single nucleotide variant.
Coding change: c.25C>T on transcript NM_000169.3 (MANE Select); coding-DNA position 25, C replaced by T.
Protein change: p.His9Tyr; replaces histidine 9 with tyrosine.
Molecular consequence: missense variant. On other transcripts: non-coding transcript variant (3), intron variant (2).
Genome position (GRCh38, 1-based): chrX:101,407,879, G>A on the plus strand (C>T on the coding strand, the complement: GLA is on the minus strand). VCF-style: chrX-101407879-G-A. GRCh37 (hg19) VCF-style: chrX-100662867-G-A.
Other names: c.25C>T, p.His9Tyr (NM_001406747.1, NM_001406748.1, NM_001406749.1); c.301-4057G>A (NM_001199973.2); c.178-4057G>A (NM_001199974.2); short protein forms H9Y.
Identifiers: ClinVar variation 2159258 (VCV002159258.4), dbSNP rs2520947587, ClinGen allele CA413937842.